The following is an entry in ClinVar:

ClinVar aggregate classification (germline): Uncertain significance (1 of 4 stars; one submission).

Conditions:
Idiopathic generalized epilepsy. Also called: EIG; Generalised epilepsy. Identifiers: MedGen C0270850, MONDO:0005579, OMIM 600669.
Hyperaldosteronism, familial, type IV (HALD4). Also called: FH IV; ALDOSTERONISM, PRIMARY, AND HYPERTENSION. Identifiers: Orphanet 642671, MedGen C4310756, MONDO:0014875, OMIM 617027.

Allele frequency attached by ClinVar (database versions not stated): TOPMed below 0.00001; gnomAD 0.00001.
gnomAD v4.1: 1 of 1,612,698 alleles (0.000062%); highest among the groups gnomAD compares: Non-Finnish European, 0.000085%; no homozygotes.

Submission:

Labcorp Genetics (formerly Invitae), Labcorp
Classification: Uncertain significance for Idiopathic generalized epilepsy; Hyperaldosteronism, familial, type IV. Last evaluated: 2023-07-30. Review status: criteria provided, single submitter. Criteria: Invitae Variant Classification Sherloc (09022015). Collection method: clinical testing. Allele origin: germline.
Comment: In summary, the available evidence is currently insufficient to determine the role of this variant in disease. Therefore, it has been classified as a Variant of Uncertain Significance. Advanced modeling of protein sequence and biophysical properties (such as structural, functional, and spatial information, amino acid conservation, physicochemical variation, residue mobility, and thermodynamic stability) performed at Invitae indicates that this missense variant is not expected to disrupt CACNA1H protein function. This variant has not been reported in the literature in individuals affected with CACNA1H-related conditions. This variant is not present in population databases (gnomAD no frequency). This sequence change replaces serine, which is neutral and polar, with leucine, which is neutral and non-polar, at codon 2297 of the CACNA1H protein (p.Ser2297Leu).

NM_021098.3(CACNA1H):c.6890C>T (p.Ser2297Leu)

Gene: CACNA1H (calcium voltage-gated channel subunit alpha1 H; plus strand). Cytogenetic location: 16p13.3.
Variant type: single nucleotide variant.
Coding change: c.6890C>T on transcript NM_021098.3 (MANE Select); coding-DNA position 6890, C replaced by T.
Protein change: p.Ser2297Leu; replaces serine 2297 with leucine.
Molecular consequence: missense variant.
Genome position (GRCh38, 1-based): chr16:1,220,822, C>T. VCF-style: chr16-1220822-C-T. GRCh37 (hg19) VCF-style: chr16-1270822-C-T.
Other names: c.6872C>T, p.Ser2291Leu (NM_001005407.2); short protein forms S2291L, S2297L.
Identifiers: ClinVar variation 2936182 (VCV002936182.3), dbSNP rs1970427990, ClinGen allele CA394151156.
Genomic context (GRCh38, chr16:1,220,822, plus strand): 5'-GTGGAGACCCTTTCTTGGACGGTAGCCACAGTGTGACCCCAGAATCCAGAGCTTCCTCTT[C>T]AGGGGCCATAGTGCCCCTGGAACCCCCAGAATCAGAGCCTCCCATGCCCGTCGGTGACCC-3'
Protein context (NP_066921.2, residues 2287-2307): SVTPESRASS[Ser2297Leu]GAIVPLEPPE